The following is an entry in ClinVar:

ClinVar aggregate classification (germline): Benign/Likely benign. Review status: criteria provided, multiple submitters, no conflicts (2 of 4 stars). 5 submissions from 5 submitters: Benign (1); Likely benign (3). 1 of the submissions does not count toward it. Last evaluated 2026-03-01.

Conditions:
DIS3L2-related disorder. Also called: DIS3L2-related condition.
Perlman syndrome (PRLMNS). Identifiers: Orphanet 2849, MedGen C0796113, MONDO:0009965, OMIM 267000.

Allele frequency attached by ClinVar (database versions not stated): TOPMed 0.00010; gnomAD exomes 0.00072; ExAC 0.00086; 1000 Genomes Project 30x 0.00125; 1000 Genomes Project 0.00140.
gnomAD v4.1: 604 of 1,610,584 alleles (0.038%); highest among the groups gnomAD compares: Middle Eastern, 0.48%; 5 homozygotes.

Submissions (5):

CeGaT Center for Human Genetics Tuebingen
Classification: Likely benign. Last evaluated: 2026-03-01. Review status: criteria provided, single submitter. Criteria: CeGaT Center For Human Genetics Tuebingen Variant Classification Criteria Version 2. Collection method: clinical testing. Allele origin: germline. Affected: yes. Observed: 10 variant alleles.
Comment: DIS3L2: BP4, BP7

Labcorp Genetics (formerly Invitae), Labcorp
Classification: Benign for Perlman syndrome. Last evaluated: 2026-01-19. Review status: criteria provided, single submitter. Criteria: Invitae Variant Classification Sherloc (09022015). Collection method: clinical testing. Allele origin: germline.

Blueprint Genetics
Classification: Likely benign. Last evaluated: 2024-11-18. Review status: criteria provided, single submitter. Criteria: ACMG Guidelines, 2015. Collection method: clinical testing. Allele origin: germline.

Sema4
Classification: Likely benign for Perlman syndrome. Last evaluated: 2021-12-17. Review status: criteria provided, single submitter. Criteria: Sema4 Curation Guidelines. Collection method: curation. Allele origin: germline.

PreventionGenetics, part of Exact Sciences
Classification: Likely benign for DIS3L2-related condition. Last evaluated: 2019-04-11. Review status: no assertion criteria provided. Collection method: clinical testing. Allele origin: germline. Not counted in ClinVar's aggregate classification.
Comment: This variant is classified as likely benign based on ACMG/AMP sequence variant interpretation guidelines (Richards et al. 2015 PMID: 25741868, with internal and published modifications).

NM_152383.5(DIS3L2):c.1911A>C (p.Ala637=)

Gene: DIS3L2 (DIS3 like 3'-5' exoribonuclease 2; plus strand). Cytogenetic location: 2q37.1.
Variant type: single nucleotide variant.
Coding change: c.1911A>C on transcript NM_152383.5 (MANE Select); coding-DNA position 1911, A replaced by C.
Protein change: p.Ala637=; no amino-acid change (alanine 637 retained).
Molecular consequence: synonymous variant. On other transcripts: non-coding transcript variant (2), intron variant (1).
Genome position (GRCh38, 1-based): chr2:232,329,984, A>C. VCF-style: chr2-232329984-A-C. GRCh37 (hg19) VCF-style: chr2-233194694-A-C.
Other names: c.1582-13361A>C (NM_001257281.2).
Identifiers: ClinVar variation 241967 (VCV000241967.38), dbSNP rs563679311, ClinGen allele CA2164299.